The following is an entry in ClinVar:

NM_004385.5(VCAN):c.2794G>A (p.Asp932Asn)

Gene: VCAN (versican; plus strand). Cytogenetic location: 5q14.3.
Variant type: single nucleotide variant.
Coding change: c.2794G>A on transcript NM_004385.5 (MANE Select); coding-DNA position 2794, G replaced by A.
Protein change: p.Asp932Asn; replaces aspartic acid 932 with asparagine.
Molecular consequence: missense variant. On other transcripts: intron variant (2).
Genome position (GRCh38, 1-based): chr5:83,521,100, G>A. VCF-style: chr5-83521100-G-A. GRCh37 (hg19) VCF-style: chr5-82816919-G-A.
Other names: c.2794G>A, p.Asp932Asn (NM_001164098.2); c.1042+8704G>A (NM_001164097.2, NM_001126336.3); short protein forms D932N.
Identifiers: ClinVar variation 2829987 (VCV002829987.3), dbSNP rs2479054160, ClinGen allele CA360304703.

ClinVar aggregate classification (germline): Uncertain significance (1 of 4 stars; one submission).

Submission:

Labcorp Genetics (formerly Invitae), Labcorp
Classification: Uncertain significance. Last evaluated: 2023-01-24. Review status: criteria provided, single submitter. Criteria: Invitae Variant Classification Sherloc (09022015). Collection method: clinical testing. Allele origin: germline.
Comment: This variant is not present in population databases (gnomAD no frequency). This variant has not been reported in the literature in individuals affected with VCAN-related conditions. Algorithms developed to predict the effect of missense changes on protein structure and function are either unavailable or do not agree on the potential impact of this missense change (SIFT: "Deleterious"; PolyPhen-2: "Probably Damaging"; Align-GVGD: "Class C0"). In summary, the available evidence is currently insufficient to determine the role of this variant in disease. Therefore, it has been classified as a Variant of Uncertain Significance. This sequence change replaces aspartic acid, which is acidic and polar, with asparagine, which is neutral and polar, at codon 932 of the VCAN protein (p.Asp932Asn).